The following is an entry in ClinVar:

NM_012330.4(KAT6B):c.1256A>G (p.Tyr419Cys)

Gene: KAT6B (lysine acetyltransferase 6B; plus strand). Cytogenetic location: 10q22.2.
Variant type: single nucleotide variant.
Coding change: c.1256A>G on transcript NM_012330.4 (MANE Select); coding-DNA position 1256, A replaced by G.
Protein change: p.Tyr419Cys; replaces tyrosine 419 with cysteine.
Molecular consequence: missense variant. On other transcripts: intron variant (11).
Genome position (GRCh38, 1-based): chr10:74,975,593, A>G. VCF-style: chr10-74975593-A-G. GRCh37 (hg19) VCF-style: chr10-76735351-A-G.
Other names: c.1117+139A>G (NM_001370139.1, NM_001370140.1, NM_001370141.1 and 3 more transcripts); c.846+5818A>G (NM_001370133.1); c.193-3631A>G (NM_001370134.1); c.929-1723A>G (NM_001370143.1, NM_001370144.1); c.193-13426A>G (NM_001370135.1); c.1256A>G, p.Tyr419Cys (NM_001256468.2, NM_001370136.1, NM_001370137.1 and 1 more transcripts); short protein forms Y419C.
Identifiers: ClinVar variation 3702814 (VCV003702814.2).

ClinVar aggregate classification (germline): Uncertain significance (1 of 4 stars; one submission).

Conditions:
Genitopatellar syndrome (GTPTS). Also called: ABSENT PATELLAE, SCROTAL HYPOPLASIA, RENAL ANOMALIES, FACIAL DYSMORPHISM, AND MENTAL RETARDATION; Genitopatellar syndrome (GPS). Identifiers: Orphanet 85201, MedGen C1853566, MONDO:0011640, OMIM 606170.

gnomAD v4.1: 5 of 1,614,086 alleles (0.00031%); highest among the groups gnomAD compares: Non-Finnish European, 0.00042%; no homozygotes.

Submission:

Labcorp Genetics (formerly Invitae), Labcorp
Classification: Uncertain significance for Genitopatellar syndrome. Last evaluated: 2024-11-13. Review status: criteria provided, single submitter. Criteria: Invitae Variant Classification Sherloc (09022015). Collection method: clinical testing. Allele origin: germline.
Comment: This sequence change replaces tyrosine, which is neutral and polar, with cysteine, which is neutral and slightly polar, at codon 419 of the KAT6B protein (p.Tyr419Cys). This variant is not present in population databases (gnomAD no frequency). This variant has not been reported in the literature in individuals affected with KAT6B-related conditions. An algorithm developed to predict the effect of missense changes on protein structure and function (PolyPhen-2) suggests that this variant is likely to be tolerated. In summary, the available evidence is currently insufficient to determine the role of this variant in disease. Therefore, it has been classified as a Variant of Uncertain Significance.